The following is an entry in ClinVar:

NM_000518.5(HBB):c.269del (p.Ser90fs)

Genes: HBB (hemoglobin subunit beta; minus strand), LOC107133510 (origin of replication at HBB; plus strand), LOC106099062 (HBB recombination region; plus strand). Cytogenetic location: 11p15.4.
Variant type: Deletion.
Coding change: c.269del on transcript NM_000518.5 (MANE Select); coding-DNA position 269, one base deleted (G; older notation c.269delG).
Protein change: p.Ser90fs; shifts the reading frame from serine 90.
Molecular consequence: frameshift variant.
Genome position (GRCh38, 1-based): chr11:5,226,623, C deleted on the plus strand (G on the coding strand, the reverse complement: HBB is on the minus strand). VCF-style (leftmost placement, unchanged base first): chr11-5226622-AC-A. GRCh37 (hg19) VCF-style: chr11-5247852-AC-A.
Other names: short protein forms S90fs.
Identifiers: ClinVar variation 1687315 (VCV001687315.1), dbSNP rs2133587981, ClinGen allele CA2573147158.

ClinVar aggregate classification (germline): Likely pathogenic (1 of 4 stars; one submission).

Conditions:
beta Thalassemia (BTHAL). Also called: Cooley's anemia; Erythroblastic anemia; Mediterranean anemia. Identifiers: Orphanet 848, MedGen C0005283, MONDO:0019402. Disease mechanism: loss of function.

Submission:

3billion
Classification: Likely pathogenic for Beta-thalassemia HBB/LCRB. Last evaluated: 2022-05-22. Review status: criteria provided, single submitter. Criteria: ACMG Guidelines, 2015. Collection method: clinical testing. Allele origin: germline. Affected: yes. Observed: 1 heterozygote.
Comment: The variant is not observed in the gnomAD v2.1.1 dataset. Frameshift: predicted to result in a loss or disruption of normal protein function through protein truncation. The predicted truncated protein may be shortened by more than 10%. Therefore, this variant is classified as likely pathogenic according to the recommendation of ACMG/AMP guideline.